The following is an entry in ClinVar:

ClinVar aggregate classification (germline): Uncertain significance (1 of 4 stars; one submission).

gnomAD v4.1: 3 of 1,569,726 alleles (0.00019%); highest among the groups gnomAD compares: Admixed American, 0.0039%; no homozygotes.

Submission:

Labcorp Genetics (formerly Invitae), Labcorp
Classification: Uncertain significance. Last evaluated: 2022-11-15. Review status: criteria provided, single submitter. Criteria: Invitae Variant Classification Sherloc (09022015). Collection method: clinical testing. Allele origin: germline.
Comment: This sequence change replaces alanine, which is neutral and non-polar, with valine, which is neutral and non-polar, at codon 14 of the FBN3 protein (p.Ala14Val). This variant is not present in population databases (gnomAD no frequency). In summary, the available evidence is currently insufficient to determine the role of this variant in disease. Therefore, it has been classified as a Variant of Uncertain Significance. Experimental studies and prediction algorithms are not available or were not evaluated, and the functional significance of this variant is currently unknown. This variant has not been reported in the literature in individuals affected with FBN3-related conditions.

NM_032447.5(FBN3):c.41C>T (p.Ala14Val)

Gene: FBN3 (fibrillin 3; minus strand). Cytogenetic location: 19p13.2.
Variant type: single nucleotide variant.
Coding change: c.41C>T on transcript NM_032447.5 (MANE Select); coding-DNA position 41, C replaced by T.
Protein change: p.Ala14Val; replaces alanine 14 with valine.
Molecular consequence: missense variant.
Genome position (GRCh38, 1-based): chr19:8,147,440, G>A on the plus strand (C>T on the coding strand, the complement: FBN3 is on the minus strand). VCF-style: chr19-8147440-G-A. GRCh37 (hg19) VCF-style: chr19-8212324-G-A.
Other names: c.41C>T, p.Ala14Val (NM_001321431.2); short protein forms A14V.
Identifiers: ClinVar variation 2814406 (VCV002814406.3), dbSNP rs1268007363, ClinGen allele CA403727779.